The following is an entry in ClinVar:

ClinVar aggregate classification (germline): Uncertain significance (1 of 4 stars; one submission).

Allele frequency attached by ClinVar (database versions not stated): gnomAD exomes 0.00001 and 0.00002; TOPMed 0.00001; ExAC 0.00002; gnomAD 0.00003.
gnomAD v4.1: 16 of 1,614,106 alleles (0.00099%); highest among the groups gnomAD compares: Non-Finnish European, 0.0014%; no homozygotes.

Submission:

Labcorp Genetics (formerly Invitae), Labcorp
Classification: Uncertain significance. Last evaluated: 2024-08-09. Review status: criteria provided, single submitter. Criteria: Invitae Variant Classification Sherloc (09022015). Collection method: clinical testing. Allele origin: germline.
Comment: This sequence change replaces arginine, which is basic and polar, with glycine, which is neutral and non-polar, at codon 508 of the MCPH1 protein (p.Arg508Gly). This variant is present in population databases (rs776261508, gnomAD 0.004%). This variant has not been reported in the literature in individuals affected with MCPH1-related conditions. ClinVar contains an entry for this variant (Variation ID: 1347631). Advanced modeling of protein sequence and biophysical properties (such as structural, functional, and spatial information, amino acid conservation, physicochemical variation, residue mobility, and thermodynamic stability) performed at Invitae indicates that this missense variant is not expected to disrupt MCPH1 protein function with a negative predictive value of 80%. In summary, the available evidence is currently insufficient to determine the role of this variant in disease. Therefore, it has been classified as a Variant of Uncertain Significance.

NM_024596.5(MCPH1):c.1522A>G (p.Arg508Gly)

Gene: MCPH1 (microcephalin 1; plus strand). Cytogenetic location: 8p23.1.
Variant type: single nucleotide variant.
Coding change: c.1522A>G on transcript NM_024596.5 (MANE Select); coding-DNA position 1522, A replaced by G.
Protein change: p.Arg508Gly; replaces arginine 508 with glycine.
Molecular consequence: missense variant. On other transcripts: non-coding transcript variant (1).
Genome position (GRCh38, 1-based): chr8:6,445,244, A>G. VCF-style: chr8-6445244-A-G. GRCh37 (hg19) VCF-style: chr8-6302765-A-G.
Other names: c.1522A>G, p.Arg508Gly (NM_001172574.2, NM_001322042.2, NM_001363979.1 and 1 more transcripts); c.1378A>G, p.Arg460Gly (NM_001172575.2); c.1516A>G, p.Arg506Gly (NM_001322043.2); c.1420A>G, p.Arg474Gly (NM_001322045.2); short protein forms R460G, R474G, R506G, R508G.
Identifiers: ClinVar variation 1347631 (VCV001347631.6), dbSNP rs776261508, ClinGen allele CA4610578.